The following is an entry in ClinVar:

ClinVar aggregate classification (germline): Uncertain significance (1 of 4 stars; one submission).

Allele frequency attached by ClinVar (database versions not stated): TOPMed 0.00001.

Submission:

Women's Health and Genetics/Laboratory Corporation of America, LabCorp
Classification: Uncertain significance. Last evaluated: 2022-03-30. Review status: criteria provided, single submitter. Criteria: LabCorp Variant Classification Summary - May 2015. Collection method: clinical testing. Allele origin: germline.
Comment: Variant summary: KIDINS220 c.3374A>G (p.Tyr1125Cys) results in a non-conservative amino acid change in the encoded protein sequence. Four of five in-silico tools predict a damaging effect of the variant on protein function. The variant was absent in 249418 control chromosomes (gnomAD). The available data on variant occurrences in the general population are insufficient to allow any conclusion about variant significance. To our knowledge, no occurrence of c.3374A>G in individuals affected with Spastic Paraplegia, Intellectual Disability, Nystagmus, and Obesity and no experimental evidence demonstrating its impact on protein function have been reported. No clinical diagnostic laboratories have submitted clinical-significance assessments for this variant to ClinVar after 2014. Based on the evidence outlined above, the variant was classified as uncertain significance.

NM_020738.4(KIDINS220):c.3374A>G (p.Tyr1125Cys)

Gene: KIDINS220 (kinase D interacting substrate 220; minus strand). Cytogenetic location: 2p25.1.
Variant type: single nucleotide variant.
Coding change: c.3374A>G on transcript NM_020738.4 (MANE Select); coding-DNA position 3374, A replaced by G.
Protein change: p.Tyr1125Cys; replaces tyrosine 1125 with cysteine.
Molecular consequence: missense variant. On other transcripts: non-coding transcript variant (2).
Genome position (GRCh38, 1-based): chr2:8,750,152, T>C on the plus strand (A>G on the coding strand, the complement: KIDINS220 is on the minus strand). VCF-style: chr2-8750152-T-C. GRCh37 (hg19) VCF-style: chr2-8890282-T-C.
Other names: c.3377A>G, p.Tyr1126Cys (NM_001348729.2, NM_001348731.2, NM_001348734.2 and 2 more transcripts); c.3374A>G, p.Tyr1125Cys (NM_001348732.2, NM_001348735.2, NM_001348738.2 and 3 more transcripts); c.3248A>G, p.Tyr1083Cys (NM_001348736.2); short protein forms Y1083C, Y1125C, Y1126C.
Identifiers: ClinVar variation 1677222 (VCV001677222.1), dbSNP rs1667135480, ClinGen allele CA345771559.